The following is an entry in ClinVar:

ClinVar aggregate classification (germline): Uncertain significance. Review status: criteria provided, multiple submitters, no conflicts (2 of 4 stars). 3 submissions from 3 submitters: Uncertain significance (3). Last evaluated 2025-02-06.

Conditions:
EPHB4-related disorder. Also called: EPHB4-related disorders; EPHB4-related condition.

gnomAD v4.1: 8 of 1,613,438 alleles (0.0005%); highest among the groups gnomAD compares: Middle Eastern, 0.016%; no homozygotes.

Submissions (3):

PreventionGenetics, part of Exact Sciences
Classification: Uncertain significance for EPHB4-related condition. Last evaluated: 2025-02-06. Review status: criteria provided, single submitter. Criteria: ACMG Guidelines, 2015. Collection method: clinical testing. Allele origin: germline.
Comment: The EPHB4 c.286G>A variant is predicted to result in the amino acid substitution p.Glu96Lys. To our knowledge, this variant has not been reported in the literature. This variant is reported in 0.00089% of alleles in individuals of European (Non-Finnish) descent in gnomAD. At this time, the clinical significance of this variant is uncertain due to the absence of conclusive functional and genetic evidence.

Labcorp Genetics (formerly Invitae), Labcorp
Classification: Uncertain significance. Last evaluated: 2024-10-13. Review status: criteria provided, single submitter. Criteria: Invitae Variant Classification Sherloc (09022015). Collection method: clinical testing. Allele origin: germline.
Comment: This sequence change replaces glutamic acid, which is acidic and polar, with lysine, which is basic and polar, at codon 96 of the EPHB4 protein (p.Glu96Lys). This variant is present in population databases (rs772798505, gnomAD 0.0009%). This variant has not been reported in the literature in individuals affected with EPHB4-related conditions. Invitae Evidence Modeling of protein sequence and biophysical properties (such as structural, functional, and spatial information, amino acid conservation, physicochemical variation, residue mobility, and thermodynamic stability) indicates that this missense variant is not expected to disrupt EPHB4 protein function with a negative predictive value of 95%. In summary, the available evidence is currently insufficient to determine the role of this variant in disease. Therefore, it has been classified as a Variant of Uncertain Significance.

Blueprint Genetics
Classification: Uncertain significance. Last evaluated: 2023-02-08. Review status: criteria provided, single submitter. Criteria: ACMG Guidelines, 2015. Collection method: clinical testing. Allele origin: germline.

NM_004444.5(EPHB4):c.286G>A (p.Glu96Lys)

Gene: EPHB4 (EPH receptor B4; minus strand). Cytogenetic location: 7q22.1.
Variant type: single nucleotide variant.
Coding change: c.286G>A on transcript NM_004444.5 (MANE Select); coding-DNA position 286, G replaced by A.
Protein change: p.Glu96Lys; replaces glutamic acid 96 with lysine.
Molecular consequence: missense variant.
Genome position (GRCh38, 1-based): chr7:100,823,769, C>T on the plus strand (G>A on the coding strand, the complement: EPHB4 is on the minus strand). VCF-style: chr7-100823769-C-T. GRCh37 (hg19) VCF-style: chr7-100421391-C-T.
Other names: c.286G>A (NM_004444.4); short protein forms E96K.
Identifiers: ClinVar variation 3676015 (VCV003676015.4).